The following is an entry in ClinVar:

ClinVar aggregate classification (germline): Uncertain significance (1 of 4 stars; one submission).

gnomAD v4.1: 1 of 1,614,230 alleles (0.000062%); no homozygotes.

Submission:

Labcorp Genetics (formerly Invitae), Labcorp
Classification: Uncertain significance. Last evaluated: 2021-03-10. Review status: criteria provided, single submitter. Criteria: Invitae Variant Classification Sherloc (09022015). Collection method: clinical testing. Allele origin: germline.
Comment: This sequence change replaces leucine with methionine at codon 23 of the PNPT1 protein (p.Leu23Met). The leucine residue is weakly conserved and there is a small physicochemical difference between leucine and methionine. This variant is not present in population databases (ExAC no frequency). This variant has not been reported in the literature in individuals with PNPT1-related conditions. Advanced modeling of protein sequence and biophysical properties (such as structural, functional, and spatial information, amino acid conservation, physicochemical variation, residue mobility, and thermodynamic stability) performed at Invitae indicates that this missense variant is not expected to disrupt PNPT1 protein function. In summary, the available evidence is currently insufficient to determine the role of this variant in disease. Therefore, it has been classified as a Variant of Uncertain Significance.

NM_033109.5(PNPT1):c.67C>A (p.Leu23Met)

Genes: PNPT1 (polyribonucleotide nucleotidyltransferase 1; minus strand), LOC129933770 (ATAC-STARR-seq lymphoblastoid active region 15785; plus strand). Cytogenetic location: 2p16.1.
Variant type: single nucleotide variant.
Coding change: c.67C>A on transcript NM_033109.5 (MANE Select); coding-DNA position 67, C replaced by A.
Protein change: p.Leu23Met; replaces leucine 23 with methionine.
Molecular consequence: missense variant.
Genome position (GRCh38, 1-based): chr2:55,693,757, G>T on the plus strand (C>A on the coding strand, the complement: PNPT1 is on the minus strand). VCF-style: chr2-55693757-G-T. GRCh37 (hg19) VCF-style: chr2-55920892-G-T.
Other names: short protein forms L23M.
Identifiers: ClinVar variation 1438909 (VCV001438909.8), dbSNP rs2104206985, ClinGen allele CA346946456.